The following is an entry in ClinVar:

NM_182931.3(KMT2E):c.316A>G (p.Ile106Val)

Gene: KMT2E (lysine methyltransferase 2E (inactive); plus strand). Cytogenetic location: 7q22.3.
Variant type: single nucleotide variant.
Coding change: c.316A>G on transcript NM_182931.3 (MANE Select); coding-DNA position 316, A replaced by G.
Protein change: p.Ile106Val; replaces isoleucine 106 with valine.
Molecular consequence: missense variant.
Genome position (GRCh38, 1-based): chr7:105,063,480, A>G. VCF-style: chr7-105063480-A-G. GRCh37 (hg19) VCF-style: chr7-104703927-A-G.
Other names: c.316A>G, p.Ile106Val (NM_001410908.1, NM_018682.4); short protein forms I106V.
Identifiers: ClinVar variation 2433251 (VCV002433251.5), dbSNP rs969860024, ClinGen allele CA163978819.
Genomic context (GRCh38, chr7:105,063,480, plus strand): 5'-AAAAATGAAGTAGGCATATTTACCACTCCTAATTTTGATGAAACTTCCAGTGCTACTACA[A>G]TCAGCACATCTGAGGATGGAAGTTATGGTACTGATGTAACCAGGTGCATATGTGGTTTTA-3'
Protein context (NP_891847.1, residues 96-116): NFDETSSATT[Ile106Val]STSEDGSYGT

ClinVar aggregate classification (germline): Uncertain significance. Review status: criteria provided, multiple submitters, no conflicts (2 of 4 stars). 2 submissions from 2 submitters: Uncertain significance (2). Last evaluated 2024-11-15.

Conditions:
O'Donnell-Luria-Rodan syndrome (ODLURO). Also called: KMT2E-Related Neurodevelopmental Disorder. Identifiers: MedGen C5193138, MONDO:0032793, OMIM 618512.

Allele frequency attached by ClinVar (database versions not stated): TOPMed below 0.00001.
gnomAD v4.1: 3 of 1,613,866 alleles (0.00019%); highest among the groups gnomAD compares: Non-Finnish European, 0.00025%; no homozygotes.

Submissions (2):

Labcorp Genetics (formerly Invitae), Labcorp
Classification: Uncertain significance. Last evaluated: 2024-11-15. Review status: criteria provided, single submitter. Criteria: Invitae Variant Classification Sherloc (09022015). Collection method: clinical testing. Allele origin: germline.
Comment: This sequence change replaces isoleucine, which is neutral and non-polar, with valine, which is neutral and non-polar, at codon 106 of the KMT2E protein (p.Ile106Val). This variant is not present in population databases (gnomAD no frequency). This variant has not been reported in the literature in individuals affected with KMT2E-related conditions. ClinVar contains an entry for this variant (Variation ID: 2433251). An algorithm developed to predict the effect of missense changes on protein structure and function (PolyPhen-2) suggests that this variant is likely to be tolerated. In summary, the available evidence is currently insufficient to determine the role of this variant in disease. Therefore, it has been classified as a Variant of Uncertain Significance.

Revvity Omics, Revvity
Classification: Uncertain significance for O'Donnell-Luria-Rodan syndrome. Last evaluated: 2021-11-02. Review status: criteria provided, single submitter. Criteria: ACMG Guidelines, 2015. Collection method: clinical testing. Allele origin: germline.